The following is an entry in ClinVar:

NM_007294.4(BRCA1):c.4960G>C (p.Val1654Leu)

Gene: BRCA1 (BRCA1 DNA repair associated; minus strand). Cytogenetic location: 17q21.31.
Variant type: single nucleotide variant.
Coding change: c.4960G>C on transcript NM_007294.4 (MANE Select); coding-DNA position 4960, G replaced by C.
Protein change: p.Val1654Leu; replaces valine 1654 with leucine.
Molecular consequence: missense variant. On other transcripts: non-coding transcript variant (1).
Genome position (GRCh38, 1-based): chr17:43,070,954, C>G on the plus strand (G>C on the coding strand, the complement: BRCA1 is on the minus strand). VCF-style: chr17-43070954-C-G. GRCh37 (hg19) VCF-style: chr17-41222971-C-G.
Other names: c.1534G>C, p.Val512Leu (NM_001408418.1, NM_001408419.1, NM_001408420.1); c.1528G>C, p.Val510Leu (NM_001408431.1, NM_001408425.1, NM_001408426.1 and 4 more transcripts); c.1525G>C, p.Val509Leu (NM_001408432.1, NM_001408433.1, NM_001408434.1 and 10 more transcripts); c.1516G>C, p.Val506Leu (NM_001408451.1); c.1510G>C, p.Val504Leu (NM_001408452.1, NM_001408453.1, NM_001408454.1 and 3 more transcripts); c.1507G>C, p.Val503Leu (NM_001408458.1, NM_001408459.1, NM_001408460.1 and 7 more transcripts); c.1504G>C, p.Val502Leu (NM_001408470.1, NM_001408468.1, NM_001408469.1); c.1648G>C, p.Val550Leu (NM_001408472.1, NM_007298.4, NM_007299.4 and 13 more transcripts); and 70 more; short protein forms V550L, V1675L, V1607L, V1654L, V1542L, V1565L, V1583L, V1584L.
Identifiers: ClinVar variation 865463 (VCV000865463.3), dbSNP rs2052362962, ClinGen allele CA10591604.

Conditions:
Breast-ovarian cancer, familial, susceptibility to, 1 (BROVCA1). Also called: BRCA1 Hereditary Breast and Ovarian Cancer; OVARIAN CANCER, SUSCEPTIBILITY TO. Identifiers: Orphanet 145, MedGen C2676676, MONDO:0011450, OMIM 604370. Disease mechanism: loss of function.

Submission:

Brotman Baty Institute, University of Washington
No classification provided (evidence only). Condition: Breast-ovarian cancer, familial 1. Review status: no classification provided. Collection method: in vitro. Allele origin: not applicable. Functional consequence: functionally_normal.
ClinVar note: "not provided" was previously submitted as the classification for the variant. However, the classification appeared to be based only on an observation of functional data so it was converted to no classification on 2025-07-30.